The following is an entry in ClinVar:

ClinVar aggregate classification (germline): Pathogenic (1 of 4 stars; one submission).

Submission:

Labcorp Genetics (formerly Invitae), Labcorp
Classification: Pathogenic. Last evaluated: 2021-03-25. Review status: criteria provided, single submitter. Criteria: Invitae Variant Classification Sherloc (09022015). Collection method: clinical testing. Allele origin: germline.
Comment: For these reasons, this variant has been classified as Pathogenic. The region of the SMARCB1 gene that includes exon(s) 8-9 has been determined to be clinically significant (PMID: 12226744, 22426308, 25169651). Therefore, deletions that encompass that region are likely to disrupt protein function and cause disease. This variant has not been reported in the literature in individuals with SMARCB1-related conditions. This variant is a gross deletion of the genomic region encompassing exon(s) 6-9 of the SMARCB1 gene. The 5' boundary is likely confined to intron 5. The 3' end of this event is unknown as it extends through the termination codon beyond the assayed region for this gene and may encompass additional genes. While this deletion is not anticipated to lead to nonsense mediated decay, it is expected to alter mRNA translation or result in a truncated protein product.

Literature cited by the submitters: PubMed 12226744; PubMed 22426308; PubMed 25169651.

NC_000022.10:g.(?_24158947)_(24176449_?)del

Gene: SMARCB1 (SWI/SNF related BAF chromatin remodeling complex subunit B1; plus strand). Cytogenetic location: 22q11.23.
Variant type: Deletion.
Identifiers: ClinVar variation 1458140 (VCV001458140.6).